The following is an entry in ClinVar:

ClinVar aggregate classification (germline): Pathogenic/Likely pathogenic. Review status: criteria provided, multiple submitters, no conflicts (2 of 4 stars). 2 submissions from 2 submitters: Pathogenic (1); Likely pathogenic (1). Last evaluated 2022-05-12.

Conditions:
REEP6-related disorder. Also called: REEP6-related condition.

Allele frequency attached by ClinVar (database versions not stated): TOPMed below 0.00001; gnomAD exomes 0.00002; gnomAD 0.00003 and 0.00004; ExAC 0.00004; ESP Exome Variant Server 0.00008; 1000 Genomes Project 30x 0.00016; 1000 Genomes Project 0.00020.
gnomAD v4.1: 21 of 1,612,994 alleles (0.0013%); highest among the groups gnomAD compares: Admixed American, 0.0017%; no homozygotes.

Submissions (2):

Labcorp Genetics (formerly Invitae), Labcorp
Classification: Pathogenic. Last evaluated: 2022-05-12. Review status: criteria provided, single submitter. Criteria: Invitae Variant Classification Sherloc (09022015). Collection method: clinical testing. Allele origin: germline.
Comment: This variant has not been reported in the literature in individuals affected with REEP6-related conditions. ClinVar contains an entry for this variant (Variation ID: 1074996). Algorithms developed to predict the effect of sequence changes on RNA splicing suggest that this variant may create or strengthen a splice site. For these reasons, this variant has been classified as Pathogenic. This variant is present in population databases (rs370406639, gnomAD 0.009%). This sequence change creates a premature translational stop signal (p.Arg161*) in the REEP6 gene. It is expected to result in an absent or disrupted protein product. Loss-of-function variants in REEP6 are known to be pathogenic (PMID: 27889058, 29120066).

Blueprint Genetics
Classification: Likely pathogenic for REEP6-related disorders. Last evaluated: 2021-06-02. Review status: criteria provided, single submitter. Criteria: ACMG Guidelines, 2015. Collection method: clinical testing. Allele origin: germline. Affected: yes. Observed: 5 variant alleles.

Literature cited by the submitters: PubMed 27889058 (cited by Labcorp Genetics (formerly Invitae), Labcorp); PubMed 29120066 (cited by Labcorp Genetics (formerly Invitae), Labcorp).

NM_138393.4(REEP6):c.481C>T (p.Arg161Ter)

Gene: REEP6 (receptor accessory protein 6; plus strand). Cytogenetic location: 19p13.3.
Variant type: single nucleotide variant.
Coding change: c.481C>T on transcript NM_138393.4 (MANE Select); coding-DNA position 481, C replaced by T.
Protein change: p.Arg161Ter; replaces arginine 161 with a stop codon.
Molecular consequence: nonsense.
Genome position (GRCh38, 1-based): chr19:1,496,417, C>T. VCF-style: chr19-1496417-C-T. GRCh37 (hg19) VCF-style: chr19-1496416-C-T.
Other names: c.481C>T, p.Arg161Ter (NM_001329556.3); short protein forms R161*.
Identifiers: ClinVar variation 1074996 (VCV001074996.9), dbSNP rs370406639, ClinGen allele CA9047589.